The following is an entry in ClinVar:

NM_002693.3(POLG):c.2508C>G (p.Leu836=)

Gene: POLG (DNA polymerase gamma, catalytic subunit; minus strand). Cytogenetic location: 15q26.1.
Variant type: single nucleotide variant.
Coding change: c.2508C>G on transcript NM_002693.3 (MANE Select); coding-DNA position 2508, C replaced by G.
Protein change: p.Leu836=; no amino-acid change (leucine 836 retained).
Molecular consequence: synonymous variant.
Genome position (GRCh38, 1-based): chr15:89,321,826, G>C on the plus strand (C>G on the coding strand, the complement: POLG is on the minus strand). VCF-style: chr15-89321826-G-C. GRCh37 (hg19) VCF-style: chr15-89865057-G-C.
Other names: c.2508C>G, p.Leu836= (NM_001126131.2).
Identifiers: ClinVar variation 2161838 (VCV002161838.5), dbSNP rs183811122, ClinGen allele CA7724437.

ClinVar aggregate classification (germline): Likely benign. Review status: criteria provided, multiple submitters, no conflicts (2 of 4 stars). 2 submissions from 2 submitters: Likely benign (2). Last evaluated 2025-07-07.

Conditions:
POLG-related disorder. Also called: POLG-related condition; POLG-Related Disorders; POLG-Related Spectrum Disorders. Identifiers: MedGen C4763519.
Progressive sclerosing poliodystrophy (MTDPS4A). Also called: ALPERS PROGRESSIVE INFANTILE POLIODYSTROPHY; Alpers-Huttenlocher Syndrome; Mitochondrial DNA depletion syndrome 4A (Alpers type); NEURONAL DEGENERATION OF CHILDHOOD WITH LIVER DISEASE, PROGRESSIVE; Mitochondrial DNA Depletion Syndrome 4A; Alpers-Huttenlocher Syndrome (AHS). Identifiers: Orphanet 726, MedGen C0205710, MONDO:0008758, OMIM 203700.

gnomAD v4.1: 1 of 1,614,080 alleles (0.000062%); highest among the groups gnomAD compares: Non-Finnish European, 0.000085%; no homozygotes.

Submissions (2):

PreventionGenetics, part of Exact Sciences
Classification: Likely benign for POLG-related condition. Last evaluated: 2025-07-07. Review status: criteria provided, single submitter. Criteria: ACMG Guidelines, 2015. Collection method: clinical testing. Allele origin: germline.
Comment: This variant is classified as likely benign based on ACMG/AMP sequence variant interpretation guidelines (Richards et al. 2015 PMID: 25741868, with internal and published modifications).

Labcorp Genetics (formerly Invitae), Labcorp
Classification: Likely benign for Progressive sclerosing poliodystrophy. Last evaluated: 2024-01-24. Review status: criteria provided, single submitter. Criteria: Invitae Variant Classification Sherloc (09022015). Collection method: clinical testing. Allele origin: germline.